The following is an entry in ClinVar:

ClinVar aggregate classification (germline): Pathogenic/Likely pathogenic. Review status: criteria provided, multiple submitters, no conflicts (2 of 4 stars). 5 submissions from 5 submitters: Pathogenic (2); Likely pathogenic (1). 2 of the submissions do not count toward it. Last evaluated 2025-04-11.

Conditions:
RSPH4A-related disorder. Also called: RSPH4A-related condition.
Primary ciliary dyskinesia. Also called: Ciliary dyskinesia. Identifiers: Orphanet 244, MedGen C0008780, MONDO:0016575, HP:0012265.
Primary ciliary dyskinesia 11. Also called: CILIARY DYSKINESIA, PRIMARY, 11, WITHOUT SITUS INVERSUS. Identifiers: Orphanet 244, MedGen C2675229, MONDO:0012978, OMIM 612649.

Allele frequency attached by ClinVar (database versions not stated): ExAC 0.00001; gnomAD exomes 0.00001 and 0.00004; gnomAD 0.00002; TOPMed 0.00002.

Submissions (5):

Labcorp Genetics (formerly Invitae), Labcorp
Classification: Pathogenic for Primary ciliary dyskinesia. Last evaluated: 2025-04-11. Review status: criteria provided, single submitter. Criteria: Invitae Variant Classification Sherloc (09022015). Collection method: clinical testing. Allele origin: germline.
Comment: This sequence change creates a premature translational stop signal (p.Arg490*) in the RSPH4A gene. It is expected to result in an absent or disrupted protein product. Loss-of-function variants in RSPH4A are known to be pathogenic (PMID: 19200523). This variant is present in population databases (rs118204043, gnomAD 0.007%). This premature translational stop signal has been observed in individual(s) with primary ciliary dyskinesia (PMID: 19200523, 22448264). ClinVar contains an entry for this variant (Variation ID: 505). For these reasons, this variant has been classified as Pathogenic.

PreventionGenetics, part of Exact Sciences
Classification: Pathogenic for RSPH4A-related condition. Last evaluated: 2025-02-18. Review status: criteria provided, single submitter. Criteria: ACMG Guidelines, 2015. Collection method: clinical testing. Allele origin: germline.
Comment: The RSPH4A c.1468C>T variant is predicted to result in premature protein termination (p.Arg490*). This variant was reported in the compound heterozygous state in individuals with primary ciliary dyskinesia (Castleman et al. 2009. PubMed ID: 19200523; Ziętkiewicz et al. 2012. PubMed ID: 22448264). This variant is reported in 0.0062% of alleles in individuals of African descent in gnomAD. Nonsense variants in RSPH4A are expected to be pathogenic. This variant is interpreted as pathogenic.

Department of Pathology and Laboratory Medicine, Sinai Health System
Classification: Likely pathogenic for Primary ciliary dyskinesia 11. Last evaluated: 2022-06-28. Review status: criteria provided, single submitter. Criteria: ACMG Guidelines, 2015. Collection method: research. Allele origin: germline.

OMIM
Classification: Pathogenic for CILIARY DYSKINESIA, PRIMARY, 11, WITHOUT SITUS INVERSUS. Last evaluated: 2009-02-01. Review status: no assertion criteria provided. Collection method: literature only. Allele origin: germline. Not counted in ClinVar's aggregate classification.

GeneReviews
No classification provided. Condition: Primary ciliary dyskinesia 11. Review status: no classification provided. Collection method: literature only. Allele origin: unknown. Not counted in ClinVar's aggregate classification.

Literature cited by the submitters: PubMed 19200523 (cited by 3 submitters); PubMed 22448264 (cited by Labcorp Genetics (formerly Invitae), Labcorp); PubMed 20301301 (cited by GeneReviews); NCBI Bookshelf NBK1122 (cited by GeneReviews).

NM_001010892.3(RSPH4A):c.1468C>T (p.Arg490Ter)

Gene: RSPH4A (radial spoke head component 4A; plus strand). Cytogenetic location: 6q22.1.
Variant type: single nucleotide variant.
Coding change: c.1468C>T on transcript NM_001010892.3 (MANE Select); coding-DNA position 1468, C replaced by T.
Protein change: p.Arg490Ter; replaces arginine 490 with a stop codon.
Molecular consequence: nonsense.
Genome position (GRCh38, 1-based): chr6:116,628,175, C>T. VCF-style: chr6-116628175-C-T. GRCh37 (hg19) VCF-style: chr6-116949338-C-T.
Other names: c.1468C>T, p.Arg490Ter (NM_001161664.2); short protein forms R490*.
Identifiers: ClinVar variation 505 (VCV000000505.13), dbSNP rs118204043, ClinGen allele CA339821.